The following is an entry in ClinVar:

ClinVar aggregate classification (germline): Uncertain significance (1 of 4 stars; one submission).

Allele frequency attached by ClinVar (database versions not stated): gnomAD exomes below 0.00001 and 0.00001; ExAC 0.00001.

Submission:

Labcorp Genetics (formerly Invitae), Labcorp
Classification: Uncertain significance. Last evaluated: 2023-07-12. Review status: criteria provided, single submitter. Criteria: Invitae Variant Classification Sherloc (09022015). Collection method: clinical testing. Allele origin: germline.
Comment: In summary, the available evidence is currently insufficient to determine the role of this variant in disease. Therefore, it has been classified as a Variant of Uncertain Significance. This sequence change replaces glutamine, which is neutral and polar, with histidine, which is basic and polar, at codon 205 of the HOXB13 protein (p.Gln205His). This variant is present in population databases (rs766169510, gnomAD 0.006%). This variant has not been reported in the literature in individuals affected with HOXB13-related conditions. ClinVar contains an entry for this variant (Variation ID: 863717). Advanced modeling of protein sequence and biophysical properties (such as structural, functional, and spatial information, amino acid conservation, physicochemical variation, residue mobility, and thermodynamic stability) performed at Invitae indicates that this missense variant is not expected to disrupt HOXB13 protein function.

NM_006361.6(HOXB13):c.615G>C (p.Gln205His)

Gene: HOXB13 (homeobox B13; minus strand). Cytogenetic location: 17q21.32.
Variant type: single nucleotide variant.
Coding change: c.615G>C on transcript NM_006361.6 (MANE Select); coding-DNA position 615, G replaced by C.
Protein change: p.Gln205His; replaces glutamine 205 with histidine.
Molecular consequence: missense variant.
Genome position (GRCh38, 1-based): chr17:48,727,030, C>G on the plus strand (G>C on the coding strand, the complement: HOXB13 is on the minus strand). VCF-style: chr17-48727030-C-G. GRCh37 (hg19) VCF-style: chr17-46804392-C-G.
Other names: short protein forms Q205H.
Identifiers: ClinVar variation 863717 (VCV000863717.11), dbSNP rs766169510, ClinGen allele CA8633938.